The following is an entry in ClinVar:

NM_014780.5(CUL7):c.2182C>G (p.Leu728Val)

Gene: CUL7 (cullin 7; minus strand). Cytogenetic location: 6p21.1.
Variant type: single nucleotide variant.
Coding change: c.2182C>G on transcript NM_014780.5 (MANE Select); coding-DNA position 2182, C replaced by G.
Protein change: p.Leu728Val; replaces leucine 728 with valine.
Molecular consequence: missense variant.
Genome position (GRCh38, 1-based): chr6:43,047,095, G>C on the plus strand (C>G on the coding strand, the complement: CUL7 is on the minus strand). VCF-style: chr6-43047095-G-C. GRCh37 (hg19) VCF-style: chr6-43014833-G-C.
Other names: c.2278C>G, p.Leu760Val (NM_001168370.2, NM_001374872.1); c.2182C>G, p.Leu728Val (NM_001374873.1, NM_001374874.1); short protein forms L760V, L728V.
Identifiers: ClinVar variation 4724986 (VCV004724986.1).
Genomic context (GRCh38, chr6:43,047,095, plus strand): 5'-GATTCAGCACCACGGCATAGTCCCTGCTCACTGAGGTCAGGCGGTGCAGGAAGAAAATCA[G>C]TTCCTGGAGCACCTGGGTGGGGACATAAGGGAGGAGATGAATGAAGACAGGGCGAGGGCC-3'
Protein context (NP_055595.2, residues 718-738): PNTDREVLQE[Leu728Val]IFFLHRLTSV

ClinVar aggregate classification (germline): Uncertain significance (1 of 4 stars; one submission).

Submission:

Labcorp Genetics (formerly Invitae), Labcorp
Classification: Uncertain significance. Last evaluated: 2026-01-06. Review status: criteria provided, single submitter. Criteria: Invitae Variant Classification Sherloc (09022015). Collection method: clinical testing. Allele origin: germline.
Comment: This sequence change replaces leucine, which is neutral and non-polar, with valine, which is neutral and non-polar, at codon 728 of the CUL7 protein (p.Leu728Val). This variant is not present in population databases (gnomAD no frequency). This variant has not been reported in the literature in individuals affected with CUL7-related conditions. Invitae Evidence Modeling of protein sequence and biophysical properties (such as structural, functional, and spatial information, amino acid conservation, physicochemical variation, residue mobility, and thermodynamic stability) indicates that this missense variant is not expected to disrupt CUL7 protein function with a negative predictive value of 80%. In summary, the available evidence is currently insufficient to determine the role of this variant in disease. Therefore, it has been classified as a Variant of Uncertain Significance.